The following is an entry in ClinVar:

NM_001112.4(ADARB1):c.1397-354A>G

Gene: ADARB1 (adenosine deaminase RNA specific B1; plus strand). Cytogenetic location: 21q22.3.
Variant type: single nucleotide variant.
Coding change: c.1397-354A>G on transcript NM_001112.4 (MANE Select); 354 bases into the intron before coding-DNA position 1397, A replaced by G.
Molecular consequence: intron variant. On other transcripts: missense variant (3), non-coding transcript variant (1).
Genome position (GRCh38, 1-based): chr21:45,184,569, A>G. VCF-style: chr21-45184569-A-G. GRCh37 (hg19) VCF-style: chr21-46604484-A-G.
Other names: c.1639A>G, p.Thr547Ala (NM_001346687.2); c.1492A>G, p.Thr498Ala (NM_015833.4, NM_015834.4); c.1397-354A>G (NM_001160230.2, NM_001346688.2); short protein forms T498A, T547A.
Identifiers: ClinVar variation 977164 (VCV000977164.4), dbSNP rs544025652, ClinGen allele CA10064315.

ClinVar aggregate classification (germline): Uncertain significance. Review status: criteria provided, multiple submitters, no conflicts (2 of 4 stars). 2 submissions from 2 submitters: Uncertain significance (2). Last evaluated 2021-08-11.

Conditions:
Neurodevelopmental disorder with hypotonia, microcephaly, and seizures (NEDHYMS). Identifiers: MedGen C5394312, MONDO:0030025, OMIM 618862.
Syndromic intellectual disability. Also called: Intellectual disability syndrome. Identifiers: Orphanet 183763, MedGen C5680525, MONDO:0000508.

Allele frequency attached by ClinVar (database versions not stated): gnomAD 0.00113; ExAC 0.00085; 1000 Genomes Project 0.00100; TOPMed 0.00106; gnomAD exomes 0.00042 and 0.00050; 1000 Genomes Project 30x 0.00062.

Submissions (2):

Revvity Omics, Revvity
Classification: Uncertain significance for Neurodevelopmental disorder with hypotonia, microcephaly, and seizures. Last evaluated: 2021-08-11. Review status: criteria provided, single submitter. Criteria: ACMG Guidelines, 2015. Collection method: clinical testing. Allele origin: germline.

Broad Center for Mendelian Genomics, Broad Institute of MIT and Harvard
Classification: Uncertain significance for Syndromic intellectual disability. Last evaluated: 2020-05-29. Review status: criteria provided, single submitter. Criteria: ACMG Guidelines, 2015. Collection method: research. Allele origin: germline. Inheritance: Autosomal recessive inheritance.
Comment: This variant has been identified in 0.098 (37/37894) of European (Non-Finnish) chromsomes by the Genome Aggregation Database (gnomAD; dbSNP ID: rs544025652). In vitro functional studies provide some evidence that the p.Thr498Ala variant may slightly impact protein function (PMID: 32220291). However, these types of assays may not accurately represent biological function. Computational prediction tools and conservation analyses do not provide strong support for or against an impact to the protein. In summary, the clinical significance of the p.Thr498Ala variant is uncertain. ACMG/AMP Criteria applied: PS3_moderate, BS1 (Richards 2015).

Literature cited by the submitters: PubMed 32220291 (cited by Broad Center for Mendelian Genomics, Broad Institute of MIT and Harvard).